The following is an entry in ClinVar:

ClinVar aggregate classification (germline): Likely pathogenic (1 of 4 stars; one submission).

Submission:

Labcorp Genetics (formerly Invitae), Labcorp
Classification: Likely pathogenic. Last evaluated: 2023-06-08. Review status: criteria provided, single submitter. Criteria: Invitae Variant Classification Sherloc (09022015). Collection method: clinical testing. Allele origin: germline.
Comment: This variant is not present in population databases (gnomAD no frequency). In summary, the currently available evidence indicates that the variant is pathogenic, but additional data are needed to prove that conclusively. Therefore, this variant has been classified as Likely Pathogenic. Algorithms developed to predict the effect of sequence changes on RNA splicing suggest that this variant may disrupt the consensus splice site. This variant has not been reported in the literature in individuals affected with MYO7A-related conditions. This variant results in the deletion of part of exon 43 (c.5943_5944+12del) of the MYO7A gene. It is expected to disrupt RNA splicing. Variants that disrupt the donor or acceptor splice site typically lead to a loss of protein function (PMID: 16199547), and loss-of-function variants in MYO7A are known to be pathogenic (PMID: 8900236, 25404053).

Literature cited by the submitters: PubMed 16199547; PubMed 8900236; PubMed 25404053.

NM_000260.4(MYO7A):c.5943_5944+12del

Gene: MYO7A (myosin VIIA; plus strand). Cytogenetic location: 11q13.5.
Variant type: Deletion.
Coding change: c.5943_5944+12del on transcript NM_000260.4 (MANE Select); coding-DNA position 5943 through 12 bases into the intron after coding-DNA position 5944, 14 bases deleted (CGGTAATGAGGCCG).
Molecular consequence: splice donor variant.
Genome position (GRCh38, 1-based): chr11:77,208,516-77,208,529, CGGTAATGAGGCCG deleted. VCF-style (leftmost placement, unchanged base first): chr11-77208515-ACGGTAATGAGGCCG-A. GRCh37 (hg19) VCF-style: chr11-76919560-ACGGTAATGAGGCCG-A.
Other names: c.5796_5797+12del (NM_001369365.1); c.5829_5830+12del (NM_001127180.2).
Identifiers: ClinVar variation 2758954 (VCV002758954.3), dbSNP rs2497753999, ClinGen allele CA2697548853.